The following is an entry in ClinVar:

ClinVar aggregate classification (germline): Likely pathogenic (1 of 4 stars; one submission).

Submission:

CeGaT Center for Human Genetics Tuebingen
Classification: Likely pathogenic. Last evaluated: 2024-07-01. Review status: criteria provided, single submitter. Criteria: CeGaT Center For Human Genetics Tuebingen Variant Classification Criteria Version 2. Collection method: clinical testing. Allele origin: germline. Affected: yes. Observed: 1 variant allele.
Comment: GABRB2: PM2, PM5, PP2, PP3

NM_001371727.1(GABRB2):c.236T>A (p.Met79Lys)

Gene: GABRB2 (gamma-aminobutyric acid type A receptor subunit beta2; minus strand). Cytogenetic location: 5q34.
Variant type: single nucleotide variant.
Coding change: c.236T>A on transcript NM_001371727.1 (MANE Select); coding-DNA position 236, T replaced by A.
Protein change: p.Met79Lys; replaces methionine 79 with lysine.
Molecular consequence: missense variant.
Genome position (GRCh38, 1-based): chr5:161,545,228, A>T on the plus strand (T>A on the coding strand, the complement: GABRB2 is on the minus strand). VCF-style: chr5-161545228-A-T. GRCh37 (hg19) VCF-style: chr5-160972234-A-T.
Other names: c.236T>A, p.Met79Lys (NM_000813.3, NM_021911.3); short protein forms M79K.
Identifiers: ClinVar variation 3257363 (VCV003257363.17).